The following is an entry in ClinVar:

ClinVar aggregate classification (germline): Uncertain significance (1 of 4 stars; one submission).

Conditions:
Hereditary cancer-predisposing syndrome. Also called: Neoplastic Syndromes, Hereditary; Tumor predisposition; Hereditary neoplastic syndrome; Hereditary Cancer Syndrome. Identifiers: Orphanet 140162, MedGen C0027672, MeSH D009386, MONDO:0015356.

Submission:

Ambry Genetics
Classification: Uncertain significance for Hereditary cancer-predisposing syndrome. Last evaluated: 2023-12-29. Review status: criteria provided, single submitter. Criteria: Ambry Variant Classification Scheme 2023. Collection method: clinical testing. Allele origin: germline.
Comment: The p.H298D variant (also known as c.892C>G), located in coding exon 8 of the APC gene, results from a C to G substitution at nucleotide position 892. The histidine at codon 298 is replaced by aspartic acid, an amino acid with similar properties. This amino acid position is conserved. In addition, in silico predictors for this gene do not accurately predict pathogenicity. Since supporting evidence is limited at this time, the clinical significance of this alteration remains unclear.

NM_000038.6(APC):c.892C>G (p.His298Asp)

Gene: APC (APC regulator of Wnt signaling pathway; plus strand). Cytogenetic location: 5q22.2.
Variant type: single nucleotide variant.
Coding change: c.892C>G on transcript NM_000038.6 (MANE Select); coding-DNA position 892, C replaced by G.
Protein change: p.His298Asp; replaces histidine 298 with aspartic acid.
Molecular consequence: missense variant. On other transcripts: non-coding transcript variant (2).
Genome position (GRCh38, 1-based): chr5:112,815,552, C>G. VCF-style: chr5-112815552-C-G. GRCh37 (hg19) VCF-style: chr5-112151249-C-G.
Other names: c.892C>G, p.His298Asp (NM_001127510.3, NM_001354895.2, NM_001354896.2 and 12 more transcripts); c.838C>G, p.His280Asp (NM_001127511.3); c.922C>G, p.His308Asp (NM_001354897.2, NM_001354902.2, NM_001407446.1); c.817C>G, p.His273Asp (NM_001354898.2, NM_001354904.2, NM_001407451.1); c.808C>G, p.His270Asp (NM_001354899.2, NM_001407452.1, NM_001407467.1 and 1 more transcripts); c.715C>G, p.His239Asp (NM_001354900.2, NM_001354901.2, NM_001354905.2 and 1 more transcripts); c.43C>G, p.His15Asp (NM_001354906.2, NM_001407470.1, NM_001407471.1 and 1 more transcripts); short protein forms H15D, H239D, H270D, H273D, H280D, H298D, H308D.
Identifiers: ClinVar variation 3231839 (VCV003231839.1), dbSNP rs1561535522, ClinGen allele CA16023268.
Genomic context (GRCh38, chr5:112,815,552, plus strand): 5'-TAGGGTTCAACTACACGAATGGACCATGAAACAGCCAGTGTTTTGAGTTCTAGTAGCACA[C>G]ACTCTGCACCTCGAAGGCTGACAAGTCATCTGGGAACCAAGGTAACAGAAGATTACAAAC-3'
Protein context (NP_000029.2, residues 288-308): TASVLSSSST[His298Asp]SAPRRLTSHL